The following is an entry in ClinVar:

ClinVar aggregate classification (germline): Pathogenic/Likely pathogenic. Review status: criteria provided, multiple submitters, no conflicts (2 of 4 stars). 3 submissions from 3 submitters: Pathogenic (1); Likely pathogenic (2). Last evaluated 2024-04-24.

Conditions:
ITGA6-related disorders.
Epidermolysis bullosa, junctional 6, with pyloric atresia. Also called: ITGA6-Related Epidermolysis Bullosa with Pyloric Atresia. Identifiers: MedGen C5676957, MONDO:0859233, OMIM 619817.

Allele frequency attached by ClinVar (database versions not stated): gnomAD exomes below 0.00001.

Submissions (3):

Blueprint Genetics
Classification: Likely pathogenic for ITGA6-related disorders. Last evaluated: 2024-04-24. Review status: criteria provided, single submitter. Criteria: ACMG Guidelines, 2015. Collection method: clinical testing. Allele origin: germline. Affected: yes. Observed: 2 variant alleles.

Fulgent Genetics
Classification: Likely pathogenic for Epidermolysis bullosa, junctional 6, with pyloric atresia. Last evaluated: 2024-01-15. Review status: criteria provided, single submitter. Criteria: ACMG Guidelines, 2015. Collection method: clinical testing. Allele origin: germline.

Labcorp Genetics (formerly Invitae), Labcorp
Classification: Pathogenic. Last evaluated: 2023-07-16. Review status: criteria provided, single submitter. Criteria: Invitae Variant Classification Sherloc (09022015). Collection method: clinical testing. Allele origin: germline.
Comment: This sequence change creates a premature translational stop signal (p.Phe205Ilefs*8) in the ITGA6 gene. It is expected to result in an absent or disrupted protein product. Loss-of-function variants in ITGA6 are known to be pathogenic (PMID: 9158140, 9185503, 9804362, 27607025). This variant is not present in population databases (gnomAD no frequency). This variant has not been reported in the literature in individuals affected with ITGA6-related conditions. For these reasons, this variant has been classified as Pathogenic.

Literature cited by the submitters: PubMed 9158140 (cited by Labcorp Genetics (formerly Invitae), Labcorp); PubMed 9185503 (cited by Labcorp Genetics (formerly Invitae), Labcorp); PubMed 9804362 (cited by Labcorp Genetics (formerly Invitae), Labcorp); PubMed 27607025 (cited by Labcorp Genetics (formerly Invitae), Labcorp).

NM_000210.4(ITGA6):c.611dup (p.Phe205fs)

Genes: ITGA6 (integrin subunit alpha 6; plus strand), PDK1-AS1 (PDK1 and ITGA6 antisense RNA 1; minus strand). Cytogenetic location: 2q31.1.
Variant type: Duplication.
Coding change: c.611dup on transcript NM_000210.4 (MANE Select); coding-DNA position 611, one base duplicated (T; older notation c.611dupT).
Protein change: p.Phe205fs; shifts the reading frame from phenylalanine 205.
Molecular consequence: frameshift variant.
Genome position (GRCh38, 1-based): chr2:172,469,348, T duplicated. VCF-style (leftmost placement, unchanged base first): chr2-172469347-G-GT. GRCh37 (hg19) VCF-style: chr2-173334075-G-GT.
Other names: c.611dup, p.Phe205fs (NM_001079818.3, NM_001365529.2, NM_001365530.2 and 1 more transcripts); c.269dup, p.Phe91fs (NM_001316306.2); short protein forms F205fs, F91fs.
Identifiers: ClinVar variation 2822039 (VCV002822039.5), dbSNP rs2468297861, ClinGen allele CA2661948008.